The following is an entry in ClinVar:

GRCh38/hg38 3p21.1-14.3(chr3:53287477-57025368)x1

Genes: ACTR8 (actin related protein 8; minus strand), ARHGEF3 (Rho guanine nucleotide exchange factor 3; minus strand), ARHGEF3-AS1 (ARHGEF3 antisense RNA 1; plus strand), CACNA1D (calcium voltage-gated channel subunit alpha1 D; plus strand), CACNA2D3 (calcium voltage-gated channel auxiliary subunit alpha2delta 3; plus strand) and 51 more. Cytogenetic location: 3p21.1-14.3.
Variant type: copy number loss.
Change: copy number 1 (one copy instead of two) of chr3:53,287,477-57,025,368 (3.74 Mb, GRCh38 coordinates, 1-based), cytogenetic band 3p21.1-14.3.
Identifiers: ClinVar variation 60057 (VCV000060057.1).

ClinVar aggregate classification (germline): Uncertain significance (1 of 4 stars; one submission).

Submission:

ISCA site 14
Classification: Uncertain significance. Last evaluated: 2011-08-12. Review status: criteria provided, single submitter. Criteria: Kaminsky et al. (Genet Med. 2011). Collection method: clinical testing. Allele origin: maternal. Affected: yes. Observed: 1 variant allele.
Comment: Copy number variation identified through the course of routine clinical cytogenomic testing in postnatal populations. Clinical assertions have been curated as described in Kaminsky et al. 2011.